The following is an entry in ClinVar:

NM_002900.3(RBP3):c.901G>T (p.Val301Leu)

Gene: RBP3 (retinol binding protein 3; plus strand). Cytogenetic location: 10q11.22.
Variant type: single nucleotide variant.
Coding change: c.901G>T on transcript NM_002900.3 (MANE Select); coding-DNA position 901, G replaced by T.
Protein change: p.Val301Leu; replaces valine 301 with leucine.
Molecular consequence: missense variant.
Genome position (GRCh38, 1-based): chr10:47,349,385, G>T. VCF-style: chr10-47349385-G-T. GRCh37 (hg19) VCF-style: chr10-48389977-C-A.
Other names: c.901G>T (NM_002900.2); short protein forms V301L.
Identifiers: ClinVar variation 1372565 (VCV001372565.5), dbSNP rs782770053, ClinGen allele CA5487665.
Genomic context (GRCh38, chr10:47,349,385, plus strand): 5'-CCCGTGTCCAGGTCCCTGGGGCCCCTTGGTGGAGGCAGCCAGACGTGGGAGGGCAGCGGG[G>T]TGCTGCCCTGTGTGGGGACTCCGGCCGAGCAGGCCCTGGAGAAAGCCCTGGCCATCCTCA-3'
Protein context (NP_002891.1, residues 291-311): GGSQTWEGSG[Val301Leu]LPCVGTPAEQ

ClinVar aggregate classification (germline): Uncertain significance. Review status: criteria provided, multiple submitters, no conflicts (2 of 4 stars). 3 submissions from 3 submitters: Uncertain significance (3). Last evaluated 2025-04-21.

Conditions:
Inborn genetic diseases. Identifiers: MedGen C0950123, MeSH D030342.

Allele frequency attached by ClinVar (database versions not stated): gnomAD 0.00003 and 0.00004; ExAC 0.00004; TOPMed 0.00004; gnomAD exomes 0.00007.
gnomAD v4.1: 24 of 1,611,922 alleles (0.0015%); highest among the groups gnomAD compares: Admixed American, 0.038%; no homozygotes.

Submissions (3):

Ambry Genetics
Classification: Uncertain significance for Inborn genetic diseases. Last evaluated: 2025-04-21. Review status: criteria provided, single submitter. Criteria: Ambry Variant Classification Scheme 2023. Collection method: clinical testing. Allele origin: germline.

Labcorp Genetics (formerly Invitae), Labcorp
Classification: Uncertain significance. Last evaluated: 2022-10-24. Review status: criteria provided, single submitter. Criteria: Invitae Variant Classification Sherloc (09022015). Collection method: clinical testing. Allele origin: germline.
Comment: This sequence change replaces valine, which is neutral and non-polar, with leucine, which is neutral and non-polar, at codon 301 of the RBP3 protein (p.Val301Leu). This variant is present in population databases (rs782770053, gnomAD 0.04%). This variant has not been reported in the literature in individuals affected with RBP3-related conditions. ClinVar contains an entry for this variant (Variation ID: 1372565). Algorithms developed to predict the effect of missense changes on protein structure and function are either unavailable or do not agree on the potential impact of this missense change (SIFT: "Deleterious"; PolyPhen-2: "Probably Damaging"; Align-GVGD: "Class C0"). In summary, the available evidence is currently insufficient to determine the role of this variant in disease. Therefore, it has been classified as a Variant of Uncertain Significance.

Blueprint Genetics
Classification: Uncertain significance. Last evaluated: 2022-03-29. Review status: criteria provided, single submitter. Criteria: ACMG Guidelines, 2015. Collection method: clinical testing. Allele origin: germline.